The following is an entry in ClinVar:

NM_002471.4(MYH6):c.66G>C (p.Glu22Asp)

Genes: MYH6 (myosin heavy chain 6; minus strand), LOC114827851 (VISTA enhancer hs2155; plus strand). Cytogenetic location: 14q11.2.
Variant type: single nucleotide variant.
Coding change: c.66G>C on transcript NM_002471.4 (MANE Select); coding-DNA position 66, G replaced by C.
Protein change: p.Glu22Asp; replaces glutamic acid 22 with aspartic acid.
Molecular consequence: missense variant.
Genome position (GRCh38, 1-based): chr14:23,407,158, C>G on the plus strand (G>C on the coding strand, the complement: MYH6 is on the minus strand). VCF-style: chr14-23407158-C-G. GRCh37 (hg19) VCF-style: chr14-23876367-C-G.
Other names: short protein forms E22D.
Identifiers: ClinVar variation 3915590 (VCV003915590.1).

ClinVar aggregate classification (germline): Uncertain significance (1 of 4 stars; one submission).

Conditions:
Cardiovascular phenotype. Identifiers: MedGen CN230736.

Submission:

Ambry Genetics
Classification: Uncertain significance for Cardiovascular phenotype. Last evaluated: 2025-04-30. Review status: criteria provided, single submitter. Criteria: Ambry Variant Classification Scheme 2023. Collection method: clinical testing. Allele origin: germline.
Comment: The p.E22D variant (also known as c.66G>C), located in coding exon 1 of the MYH6 gene, results from a G to C substitution at nucleotide position 66. The glutamic acid at codon 22 is replaced by aspartic acid, an amino acid with highly similar properties. This amino acid position is highly conserved in available vertebrate species. In addition, the in silico prediction for this alteration is inconclusive. Based on the available evidence, the clinical significance of this variant remains unclear.